The following is an entry in ClinVar:

ClinVar aggregate classification (germline): Benign (1 of 4 stars; one submission).

Conditions:
CBL-related disorder. Also called: NOONAN SYNDROME-LIKE DISORDER WITHOUT JUVENILE MYELOMONOCYTIC LEUKEMIA; CBL MUTATION-ASSOCIATED SYNDROME; CBL SYNDROME. Identifiers: Orphanet 363972, MedGen C3150803, MONDO:0013308, OMIM 613563.

Allele frequency attached by ClinVar (database versions not stated): 1000 Genomes Project 30x 0.00500; 1000 Genomes Project 0.00579; gnomAD 0.01140 and 0.01166; TOPMed 0.01163; gnomAD exomes 0.01224.
gnomAD v4.1: 2,709 of 232,898 alleles (1.2%); highest among the groups gnomAD compares: Non-Finnish European, 1.8%; 16 homozygotes.

Submission:

Illumina Laboratory Services, Illumina
Classification: Benign for CBL-related disorder. Last evaluated: 2018-01-12. Review status: criteria provided, single submitter. Criteria: ICSL Variant Classification Criteria 13 December 2019. Collection method: clinical testing. Allele origin: germline.
Comment: This variant was observed in the ICSL laboratory as part of a predisposition screen in an ostensibly healthy population. It had not been previously curated by ICSL or reported in the Human Gene Mutation Database (HGMD: prior to June 1st, 2018), and was therefore a candidate for classification through an automated scoring system. Utilizing variant allele frequency, disease prevalence and penetrance estimates, and inheritance mode, an automated score was calculated to assess if this variant is too frequent to cause the disease. Based on the score and internal cut-off values, a variant classified as benign is not then subjected to further curation. The score for this variant resulted in a classification of benign for this disease.

NM_005188.4(CBL):c.*2423C>T

Gene: CBL (Cbl proto-oncogene; plus strand). Cytogenetic location: 11q23.3.
Variant type: single nucleotide variant.
Coding change: c.*2423C>T on transcript NM_005188.4 (MANE Select); 2423 bases downstream of the stop codon, C replaced by T.
Molecular consequence: 3 prime UTR variant.
Genome position (GRCh38, 1-based): chr11:119,302,204, C>T. VCF-style: chr11-119302204-C-T. GRCh37 (hg19) VCF-style: chr11-119172914-C-T.
Identifiers: ClinVar variation 302823 (VCV000302823.5), dbSNP rs117804312, ClinGen allele CA10637405.